The following is an entry in ClinVar:

ClinVar aggregate classification (germline): Uncertain significance. Review status: criteria provided, multiple submitters, no conflicts (2 of 4 stars). 2 submissions from 2 submitters: Uncertain significance (2). Last evaluated 2023-07-21.

Conditions:
Inborn genetic diseases. Identifiers: MedGen C0950123, MeSH D030342.

Allele frequency attached by ClinVar (database versions not stated): gnomAD 0.00001; TOPMed 0.00001; ExAC 0.00002.
gnomAD v4.1: 26 of 1,613,292 alleles (0.0016%); highest among the groups gnomAD compares: Non-Finnish European, 0.002%; no homozygotes.

Submissions (2):

Labcorp Genetics (formerly Invitae), Labcorp
Classification: Uncertain significance. Last evaluated: 2023-07-21. Review status: criteria provided, single submitter. Criteria: Invitae Variant Classification Sherloc (09022015). Collection method: clinical testing. Allele origin: germline.
Comment: In summary, the available evidence is currently insufficient to determine the role of this variant in disease. Therefore, it has been classified as a Variant of Uncertain Significance. Advanced modeling of protein sequence and biophysical properties (such as structural, functional, and spatial information, amino acid conservation, physicochemical variation, residue mobility, and thermodynamic stability) performed at Invitae indicates that this missense variant is not expected to disrupt FERMT1 protein function. ClinVar contains an entry for this variant (Variation ID: 2162543). This variant has not been reported in the literature in individuals affected with FERMT1-related conditions. This variant is present in population databases (rs777707799, gnomAD 0.002%). This sequence change replaces glutamine, which is neutral and polar, with histidine, which is basic and polar, at codon 223 of the FERMT1 protein (p.Gln223His).

Ambry Genetics
Classification: Uncertain significance for Inborn genetic diseases. Last evaluated: 2023-03-28. Review status: criteria provided, single submitter. Criteria: Ambry Variant Classification Scheme 2023. Collection method: clinical testing. Allele origin: germline.

NM_017671.5(FERMT1):c.669A>T (p.Gln223His)

Gene: FERMT1 (FERM domain containing kindlin 1; minus strand). Cytogenetic location: 20p12.3.
Variant type: single nucleotide variant.
Coding change: c.669A>T on transcript NM_017671.5 (MANE Select); coding-DNA position 669, A replaced by T.
Protein change: p.Gln223His; replaces glutamine 223 with histidine.
Molecular consequence: missense variant.
Genome position (GRCh38, 1-based): chr20:6,110,375, T>A on the plus strand (A>T on the coding strand, the complement: FERMT1 is on the minus strand). VCF-style: chr20-6110375-T-A. GRCh37 (hg19) VCF-style: chr20-6091022-T-A.
Other names: c.669A>T (NM_017671.4); short protein forms Q223H.
Identifiers: ClinVar variation 2162543 (VCV002162543.4), dbSNP rs777707799, ClinGen allele CA9758404.